The following is an entry in ClinVar:

NM_022893.4(BCL11A):c.326A>T (p.Asp109Val)

Gene: BCL11A (BCL11 transcription factor A; minus strand). Cytogenetic location: 2p16.1.
Variant type: single nucleotide variant.
Coding change: c.326A>T on transcript NM_022893.4 (MANE Select); coding-DNA position 326, A replaced by T.
Protein change: p.Asp109Val; replaces aspartic acid 109 with valine.
Molecular consequence: missense variant. On other transcripts: 5 prime UTR variant (7).
Genome position (GRCh38, 1-based): chr2:60,546,030, T>A on the plus strand (A>T on the coding strand, the complement: BCL11A is on the minus strand). VCF-style: chr2-60546030-T-A. GRCh37 (hg19) VCF-style: chr2-60773165-T-A.
Other names: p.Asp109Val; c.326A>T, p.Asp109Val (NM_001363864.1, NM_001405719.1, NM_138559.2 and 10 more transcripts); c.170A>T, p.Asp57Val (NM_001405717.1, NM_001405718.1, NM_001405722.1 and 10 more transcripts); c.-100A>T (NM_001405720.1, NM_001405721.1); c.-350A>T (NM_001405725.1, NM_001405726.1, NM_001405731.1); c.-207A>T (NM_001405727.1, NM_001405728.1); short protein forms D109V, D57V.
Identifiers: ClinVar variation 3380816 (VCV003380816.2).

ClinVar aggregate classification (germline): Uncertain significance (1 of 4 stars; one submission).

Submission:

Mayo Clinic Laboratories, Mayo Clinic
Classification: Uncertain significance. Last evaluated: 2025-09-05. Review status: criteria provided, single submitter. Criteria: ACMG Guidelines, 2015. Collection method: clinical testing. Allele origin: germline. Observed: 2 variant alleles.
Comment: BP4, PM2_moderate